The following is an entry in ClinVar:

ClinVar aggregate classification (germline): Uncertain significance (1 of 4 stars; one submission).

Submission:

GeneDx
Classification: Uncertain significance. Last evaluated: 2022-06-01. Review status: criteria provided, single submitter. Criteria: GeneDx Variant Classification Process June 2021. Collection method: clinical testing. Allele origin: germline. Affected: yes.
Comment: Not observed at significant frequency in large population cohorts (gnomAD); In silico analysis supports that this missense variant has a deleterious effect on protein structure/function; Has not been previously published as pathogenic or benign to our knowledge

NM_001326342.2(CELF2):c.502T>A (p.Cys168Ser)

Gene: CELF2 (CUGBP Elav-like family member 2; plus strand). Cytogenetic location: 10p14.
Variant type: single nucleotide variant.
Coding change: c.502T>A on transcript NM_001326342.2 (MANE Select); coding-DNA position 502, T replaced by A.
Protein change: p.Cys168Ser; replaces cysteine 168 with serine.
Molecular consequence: missense variant. On other transcripts: 5 prime UTR variant (2).
Genome position (GRCh38, 1-based): chr10:11,257,836, T>A. VCF-style: chr10-11257836-T-A. GRCh37 (hg19) VCF-style: chr10-11299799-T-A.
Other names: c.409T>A, p.Cys137Ser (NM_001025076.2, NM_001083591.1, NM_001326317.2 and 15 more transcripts); c.481T>A, p.Cys161Ser (NM_001025077.3, NM_001326331.2, NM_001326332.2 and 4 more transcripts); c.574T>A, p.Cys192Ser (NM_001326325.2); c.517T>A, p.Cys173Ser (NM_001326326.2, NM_001326327.2); c.-124T>A (NM_001326333.2, NM_001326346.2); c.148T>A, p.Cys50Ser (NM_001326338.2, NM_001326339.2); c.502T>A, p.Cys168Ser (NM_001326340.2, NM_001326341.2, NM_001326343.2 and 4 more transcripts); c.433T>A, p.Cys145Ser (NM_001326347.1); short protein forms C137S, C145S, C161S, C168S, C173S, C192S, C50S.
Identifiers: ClinVar variation 1802047 (VCV001802047.1), dbSNP rs2548609998, ClinGen allele CA375963555.